The following is an entry in ClinVar:

NM_000719.7(CACNA1C):c.962G>A (p.Gly321Asp)

Gene: CACNA1C (calcium voltage-gated channel subunit alpha1 C; plus strand). Cytogenetic location: 12p13.33.
Variant type: single nucleotide variant.
Coding change: c.962G>A on transcript NM_000719.7 (MANE Select); coding-DNA position 962, G replaced by A.
Protein change: p.Gly321Asp; replaces glycine 321 with aspartic acid.
Molecular consequence: missense variant.
Genome position (GRCh38, 1-based): chr12:2,493,235, G>A. VCF-style: chr12-2493235-G-A. GRCh37 (hg19) VCF-style: chr12-2602401-G-A.
Other names: c.962G>A, p.Gly321Asp (NM_001129827.2, NM_001129829.2, NM_001129830.3 and 18 more transcripts); c.953G>A, p.Gly318Asp (NM_001129844.2); short protein forms G321D, G318D.
Identifiers: ClinVar variation 3008685 (VCV003008685.4), dbSNP rs2099740050, ClinGen allele CA383369710.

ClinVar aggregate classification (germline): Uncertain significance. Review status: criteria provided, multiple submitters, no conflicts (2 of 4 stars). 2 submissions from 2 submitters: Uncertain significance (2). Last evaluated 2024-08-11.

Conditions:
Cardiovascular phenotype. Identifiers: MedGen CN230736.
Long QT syndrome (LQTS). Identifiers: MedGen C0023976, MeSH D008133, MONDO:0002442. Disease mechanism: loss of function. Inheritance: Various modes of inheritance.

Allele frequency attached by ClinVar (database versions not stated): gnomAD exomes below 0.00001.
gnomAD v4.1: 1 of 1,614,024 alleles (0.000062%); highest among the groups gnomAD compares: East Asian, 0.0022%; no homozygotes.

Submissions (2):

Labcorp Genetics (formerly Invitae), Labcorp
Classification: Uncertain significance for Long QT syndrome. Last evaluated: 2024-08-11. Review status: criteria provided, single submitter. Criteria: Invitae Variant Classification Sherloc (09022015). Collection method: clinical testing. Allele origin: germline.
Comment: This sequence change replaces glycine, which is neutral and non-polar, with aspartic acid, which is acidic and polar, at codon 321 of the CACNA1C protein (p.Gly321Asp). This variant is not present in population databases (gnomAD no frequency). This variant has not been reported in the literature in individuals affected with CACNA1C-related conditions. Advanced modeling of protein sequence and biophysical properties (such as structural, functional, and spatial information, amino acid conservation, physicochemical variation, residue mobility, and thermodynamic stability) has been performed at Invitae for this missense variant, however the output from this modeling did not meet the statistical confidence thresholds required to predict the impact of this variant on CACNA1C protein function. In summary, the available evidence is currently insufficient to determine the role of this variant in disease. Therefore, it has been classified as a Variant of Uncertain Significance.

Ambry Genetics
Classification: Uncertain significance for Cardiovascular phenotype. Last evaluated: 2024-03-29. Review status: criteria provided, single submitter. Criteria: Ambry Variant Classification Scheme 2023. Collection method: clinical testing. Allele origin: germline.
Comment: The p.G321D variant (also known as c.962G>A), located in coding exon 7 of the CACNA1C gene, results from a G to A substitution at nucleotide position 962. The glycine at codon 321 is replaced by aspartic acid, an amino acid with similar properties. This amino acid position is not well conserved in available vertebrate species. In addition, the in silico prediction for this alteration is inconclusive. Based on the available evidence, the clinical significance of this alteration remains unclear.